The following is an entry in ClinVar:

NM_000536.4(RAG2):c.1542G>C (p.Leu514Phe)

Gene: RAG2 (recombination activating 2; minus strand). Cytogenetic location: 11p12.
Variant type: single nucleotide variant.
Coding change: c.1542G>C on transcript NM_000536.4 (MANE Select); coding-DNA position 1542, G replaced by C.
Protein change: p.Leu514Phe; replaces leucine 514 with phenylalanine.
Molecular consequence: missense variant.
Genome position (GRCh38, 1-based): chr11:36,592,627, C>G on the plus strand (G>C on the coding strand, the complement: RAG2 is on the minus strand). VCF-style: chr11-36592627-C-G. GRCh37 (hg19) VCF-style: chr11-36614177-C-G.
Other names: c.1542G>C, p.Leu514Phe (NM_001243785.2, NM_001243786.2); short protein forms L514F.
Identifiers: ClinVar variation 950085 (VCV000950085.5), dbSNP rs754150018, ClinGen allele CA5950396.

ClinVar aggregate classification (germline): Uncertain significance. Review status: criteria provided, single submitter (1 of 4 stars). 2 submissions from 2 submitters: Uncertain significance (1). 1 of the submissions does not count toward it. Last evaluated 2022-02-05.

Conditions:
Severe combined immunodeficiency, autosomal recessive, T cell-negative, B cell-negative, NK cell-positive. Also called: SCID, T CELL-NEGATIVE, B CELL-NEGATIVE, NK CELL-POSITIVE; SCID, AR, T-cell negative, B-cell negative, NK cell-positive; Severe combined immunodeficiency due to complete RAG1/2 deficiency. Identifiers: Orphanet 331206, MedGen C1832322, MONDO:0011086, OMIM 601457.
Combined immunodeficiency with skin granulomas. Identifiers: Orphanet 157949, MedGen C2673536, MONDO:0009306, OMIM 233650.
Histiocytic medullary reticulosis. Also called: Omenn syndrome; SEVERE COMBINED IMMUNODEFICIENCY WITH HYPEREOSINOPHILIA. Identifiers: Orphanet 39041, MedGen C2700553, MONDO:0011338, OMIM 603554.

Allele frequency attached by ClinVar (database versions not stated): gnomAD 0.00001; TOPMed 0.00001; ExAC 0.00003; gnomAD exomes 0.00003.

Submissions (2):

Labcorp Genetics (formerly Invitae), Labcorp
Classification: Uncertain significance for Combined immunodeficiency with skin granulomas; Severe combined immunodeficiency, autosomal recessive, T cell-negative, B cell-negative, NK cell-positive. Last evaluated: 2022-02-05. Review status: criteria provided, single submitter. Criteria: Invitae Variant Classification Sherloc (09022015). Collection method: clinical testing. Allele origin: germline.
Comment: This sequence change replaces leucine, which is neutral and non-polar, with phenylalanine, which is neutral and non-polar, at codon 514 of the RAG2 protein (p.Leu514Phe). This variant is present in population databases (rs754150018, gnomAD 0.02%). This variant has not been reported in the literature in individuals affected with RAG2-related conditions. ClinVar contains an entry for this variant (Variation ID: 950085). Advanced modeling of protein sequence and biophysical properties (such as structural, functional, and spatial information, amino acid conservation, physicochemical variation, residue mobility, and thermodynamic stability) performed at Invitae indicates that this missense variant is not expected to disrupt RAG2 protein function. In summary, the available evidence is currently insufficient to determine the role of this variant in disease. Therefore, it has been classified as a Variant of Uncertain Significance.

Natera, Inc.
Classification: Uncertain significance for Omenn syndrome. Last evaluated: 2020-02-26. Review status: no assertion criteria provided. Collection method: clinical testing. Allele origin: germline. Not counted in ClinVar's aggregate classification.